The following is an entry in ClinVar:

NM_000455.5(STK11):c.1102G>A (p.Val368Met)

Genes: STK11 (serine/threonine kinase 11; plus strand), LOC130062899 (ATAC-STARR-seq lymphoblastoid active region 13597; plus strand). Cytogenetic location: 19p13.3.
Variant type: single nucleotide variant.
Coding change: c.1102G>A on transcript NM_000455.5 (MANE Select); coding-DNA position 1102, G replaced by A.
Protein change: p.Val368Met; replaces valine 368 with methionine.
Molecular consequence: missense variant.
Genome position (GRCh38, 1-based): chr19:1,223,166, G>A. VCF-style: chr19-1223166-G-A. GRCh37 (hg19) VCF-style: chr19-1223165-G-A.
Other names: short protein forms V368M.
Identifiers: ClinVar variation 486520 (VCV000486520.26), dbSNP rs1311925225, ClinGen allele CA402951977.

ClinVar aggregate classification (germline): Uncertain significance. Review status: criteria provided, multiple submitters, no conflicts (2 of 4 stars). 8 submissions from 8 submitters: Uncertain significance (8). Last evaluated 2025-12-29.

Conditions:
Hereditary cancer-predisposing syndrome. Also called: Tumor predisposition; Neoplastic Syndromes, Hereditary; Hereditary Cancer Syndrome; Hereditary neoplastic syndrome. Identifiers: Orphanet 140162, MedGen C0027672, MeSH D009386, MONDO:0015356.
Peutz-Jeghers syndrome (PJS). Also called: POLYPOSIS, HAMARTOMATOUS INTESTINAL; POLYPS-AND-SPOTS SYNDROME; Peutz-Jeghers polyposis; Periorificial lentiginosis syndrome. Identifiers: Orphanet 2869, MedGen C0031269, MeSH D010580, MONDO:0008280, OMIM 175200.

Allele frequency attached by ClinVar (database versions not stated): gnomAD exomes 0.00001.
gnomAD v4.1: 5 of 1,610,860 alleles (0.00031%); highest among the groups gnomAD compares: East Asian, 0.0022%; no homozygotes.

Submissions (8):

Center for Genomic Medicine, Rigshospitalet, Copenhagen University Hospital
Classification: Uncertain significance. Last evaluated: 2025-12-29. Review status: criteria provided, single submitter. Criteria: ACMG Guidelines, 2015. Collection method: clinical testing. Allele origin: germline.

Ambry Genetics
Classification: Uncertain significance for Hereditary cancer-predisposing syndrome. Last evaluated: 2025-11-24. Review status: criteria provided, single submitter. Criteria: Ambry Variant Classification Scheme 2023. Collection method: clinical testing. Allele origin: germline.
Comment: The p.V368M variant (also known as c.1102G>A), located in coding exon 8 of the STK11 gene, results from a G to A substitution at nucleotide position 1102. The valine at codon 368 is replaced by methionine, an amino acid with highly similar properties. This amino acid position is highly conserved in available vertebrate species. In addition, this alteration is predicted to be tolerated by in silico analysis. Since supporting evidence is limited at this time, the clinical significance of this alteration remains unclear.

Labcorp Genetics (formerly Invitae), Labcorp
Classification: Uncertain significance for Peutz-Jeghers syndrome. Last evaluated: 2025-11-17. Review status: criteria provided, single submitter. Criteria: Invitae Variant Classification Sherloc (09022015). Collection method: clinical testing. Allele origin: germline.
Comment: This sequence change replaces valine, which is neutral and non-polar, with methionine, which is neutral and non-polar, at codon 368 of the STK11 protein (p.Val368Met). The frequency data for this variant in the population databases is considered unreliable, as metrics indicate poor data quality at this position in the gnomAD database. This variant has not been reported in the literature in individuals affected with STK11-related conditions. ClinVar contains an entry for this variant (Variation ID: 486520). Invitae Evidence Modeling of protein sequence and biophysical properties (such as structural, functional, and spatial information, amino acid conservation, physicochemical variation, residue mobility, and thermodynamic stability) indicates that this missense variant is not expected to disrupt STK11 protein function with a negative predictive value of 95%. In summary, the available evidence is currently insufficient to determine the role of this variant in disease. Therefore, it has been classified as a Variant of Uncertain Significance.

All of Us Research Program, National Institutes of Health
Classification: Uncertain significance for Peutz-Jeghers syndrome. Last evaluated: 2023-05-04. Review status: criteria provided, single submitter. Criteria: ACMG Guidelines, 2015. Collection method: clinical testing. Allele origin: germline. Inheritance: Autosomal dominant inheritance. Observed: 2 variant alleles, 2 heterozygotes.
Comment: This missense variant replaces valine with methionine at codon 368 of the STK11 protein. Computational prediction suggests that this variant may not impact protein structure and function (internally defined REVEL score threshold <= 0.5, PMID: 27666373). To our knowledge, functional studies have not been reported for this variant. This variant has not been reported in individuals affected with STK11-related disorders in the literature. This variant has been identified in 2/242328 chromosomes in the general population by the Genome Aggregation Database (gnomAD). The available evidence is insufficient to determine the role of this variant in disease conclusively. Therefore, this variant is classified as a Variant of Uncertain Significance.

This study involves interpretation of variants in research participants for the purpose of population health screening. Participant phenotype was not available at the time of variant classification. Additional details can be found in publication PMID: 35346344, PMCID: PMC8962531

Color Diagnostics, LLC DBA Color Health
Classification: Uncertain significance for Hereditary cancer-predisposing syndrome. Last evaluated: 2023-04-06. Review status: criteria provided, single submitter. Criteria: ACMG Guidelines, 2015. Collection method: clinical testing. Allele origin: germline.
Comment: This missense variant replaces valine with methionine at codon 368 of the STK11 protein. Computational prediction suggests that this variant may not impact protein structure and function (internally defined REVEL score threshold <= 0.5, PMID: 27666373). To our knowledge, functional studies have not been reported for this variant. This variant has not been reported in individuals affected with STK11-related disorders in the literature. This variant has been identified in 2/242328 chromosomes in the general population by the Genome Aggregation Database (gnomAD). The available evidence is insufficient to determine the role of this variant in disease conclusively. Therefore, this variant is classified as a Variant of Uncertain Significance.

GeneDx
Classification: Uncertain significance. Last evaluated: 2023-02-10. Review status: criteria provided, single submitter. Criteria: GeneDx Variant Classification Process June 2021. Collection method: clinical testing. Allele origin: germline. Affected: yes.
Comment: Not observed at significant frequency in large population cohorts (gnomAD); In silico analysis supports that this missense variant does not alter protein structure/function; Observed in individual(s) with breast cancer (Dorling et al., 2021); This variant is associated with the following publications: (PMID: 28900777, 33471991)

Sema4
Classification: Uncertain significance for Hereditary cancer-predisposing syndrome. Last evaluated: 2021-09-30. Review status: criteria provided, single submitter. Criteria: Sema4 Curation Guidelines. Collection method: curation. Allele origin: germline.
Comment: The STK11 c.1102G>A (p.V368M) missense variant has been reported in one individual with breast cancer (PMID 33471991). This variant was observed in 2/242328 chromosomes across all subpopulations in the Genome Aggregation Database (PMID: 32461654). This variant has been reported in ClinVar (Variation ID 486520). Functional studies have not been performed, and in silico predictions of the variant's effect on protein function are inconclusive. The overall evidence is insufficient to meet ACMG/AMP criteria for classifying it as benign or pathogenic. In summary, the clinical significance of this variant is currently uncertain.

Genome-Nilou Lab
Classification: Uncertain significance for Peutz-Jeghers syndrome. Last evaluated: 2021-07-15. Review status: criteria provided, single submitter. Criteria: ACMG Guidelines, 2015. Collection method: clinical testing. Allele origin: germline. Affected: no.

Literature cited by the submitters: PubMed 33471991 (cited by Sema4).